The following is an entry in ClinVar:

NM_032447.5(FBN3):c.5429G>A (p.Arg1810Gln)

Gene: FBN3 (fibrillin 3; minus strand). Cytogenetic location: 19p13.2.
Variant type: single nucleotide variant.
Coding change: c.5429G>A on transcript NM_032447.5 (MANE Select); coding-DNA position 5429, G replaced by A.
Protein change: p.Arg1810Gln; replaces arginine 1810 with glutamine.
Molecular consequence: missense variant.
Genome position (GRCh38, 1-based): chr19:8,096,554, C>T on the plus strand (G>A on the coding strand, the complement: FBN3 is on the minus strand). VCF-style: chr19-8096554-C-T. GRCh37 (hg19) VCF-style: chr19-8161438-C-T.
Other names: c.5429G>A, p.Arg1810Gln (NM_001321431.2); c.5429G>A (NM_001321431.1, NM_032447.3); short protein forms R1810Q.
Identifiers: ClinVar variation 724121 (VCV000724121.13), dbSNP rs145090095, ClinGen allele CA9151655.

ClinVar aggregate classification (germline): Conflicting classifications of pathogenicity. Review status: criteria provided, conflicting classifications (1 of 4 stars). 4 submissions from 4 submitters: Uncertain significance (1); Likely benign (2). 1 of the submissions does not count toward it. Last evaluated 2025-11-23.

Conditions:
FBN3-related disorder. Also called: FBN3-related condition.

Allele frequency attached by ClinVar (database versions not stated): gnomAD exomes 0.00025 and 0.00054; ExAC 0.00063; 1000 Genomes Project 30x 0.00078; 1000 Genomes Project 0.00100; gnomAD 0.00177 and 0.00184; TOPMed 0.00208; ESP Exome Variant Server 0.00238.
gnomAD v4.1: 649 of 1,612,666 alleles (0.04%); highest among the groups gnomAD compares: African/African-American, 0.6%; 3 homozygotes.

Submissions (4):

Labcorp Genetics (formerly Invitae), Labcorp
Classification: Likely benign. Last evaluated: 2025-11-23. Review status: criteria provided, single submitter. Criteria: Invitae Variant Classification Sherloc (09022015). Collection method: clinical testing. Allele origin: germline.

Ambry Genetics
Classification: Uncertain significance. Last evaluated: 2025-08-04. Review status: criteria provided, single submitter. Criteria: Ambry Variant Classification Scheme 2023. Collection method: clinical testing. Allele origin: germline.

Breakthrough Genomics
Classification: Likely benign. Review status: criteria provided, single submitter. Criteria: ACMG Guidelines, 2015. Collection method: not provided. Allele origin: germline. Inheritance: Unknown mechanism. Affected: yes.

PreventionGenetics, part of Exact Sciences
Classification: Likely benign for FBN3-related condition. Last evaluated: 2019-11-16. Review status: no assertion criteria provided. Collection method: clinical testing. Allele origin: germline. Not counted in ClinVar's aggregate classification.
Comment: This variant is classified as likely benign based on ACMG/AMP sequence variant interpretation guidelines (Richards et al. 2015 PMID: 25741868, with internal and published modifications).